The following is an entry in ClinVar:

ClinVar aggregate classification (germline): Likely pathogenic (1 of 4 stars; one submission).

Conditions:
Cornelia de Lange syndrome 1 (CDLS1). Also called: TYPUS DEGENERATIVUS AMSTELODAMENSIS; Brachmann de Lange syndrome; NIPBL-Related Cornelia de Lange Syndrome. Identifiers: Orphanet 199, MedGen C4551851, MONDO:0007387, OMIM 122470.

Submission:

MGZ Medical Genetics Center
Classification: Likely pathogenic for Cornelia de Lange syndrome 1. Last evaluated: 2021-11-12. Review status: criteria provided, single submitter. Criteria: ACMG Guidelines, 2015. Collection method: clinical testing. Allele origin: germline. Affected: yes. Observed: 1 variant allele.
Comment: ACMG criteria applied: PS2, PM4, PM2_SUP

NM_133433.4(NIPBL):c.272_280del (p.Asp91_Pro93del)

Gene: NIPBL (NIPBL cohesin loading factor; plus strand). Cytogenetic location: 5p13.2.
Variant type: Deletion.
Coding change: c.272_280del on transcript NM_133433.4 (MANE Select); coding-DNA positions 272 to 280, 9 bases deleted (ACATACCAG; older notation c.272_280delACATACCAG).
Protein change: p.Asp91_Pro93del.
Molecular consequence: inframe deletion.
Genome position (GRCh38, 1-based): chr5:36,958,145-36,958,153, ACATACCAG deleted; deleting any 9 consecutive bases within chr5:36,958,144-36,958,153 gives the same sequence; the c. name uses the placement nearest the transcript's 3' end. VCF-style (leftmost placement, unchanged base first): chr5-36958143-TGACATACCA-T. GRCh37 (hg19) VCF-style: chr5-36958245-TGACATACCA-T.
Other names: c.272_280del, p.Asp91_Pro93del (NM_015384.5).
Identifiers: ClinVar variation 1709803 (VCV001709803.2), dbSNP rs2479004072, ClinGen allele CA2580073200.